The following is an entry in ClinVar:

ClinVar aggregate classification (germline): Likely pathogenic (1 of 4 stars; one submission).

Conditions:
Phelan-McDermid syndrome. Also called: Phelan-McDermid Syndrome-SHANK3 Related; TELOMERIC 22q13 MONOSOMY SYNDROME; 22q13.3 deletion syndrome. Identifiers: Orphanet 48652, MedGen C1853490, MONDO:0011652, OMIM 606232.

Submission:

MVZ Medizinische Genetik Mainz
Classification: Likely pathogenic for Phelan-McDermid syndrome. Last evaluated: 2025-02-05. Review status: criteria provided, single submitter. Criteria: UK Practice Guidelines For Variant Classification V4 01 2020. Collection method: clinical testing. Allele origin: germline. Inheritance: Autosomal dominant inheritance. Affected: yes. Observed: 1 variant allele.
Comment: ACMG Criteria: PVS1,PM2_SUP

NM_001372044.2(SHANK3):c.676-2A>T

Gene: SHANK3 (SH3 and multiple ankyrin repeat domains 3; plus strand). Cytogenetic location: 22q13.33.
Variant type: single nucleotide variant.
Coding change: c.676-2A>T on transcript NM_001372044.2 (MANE Select); the canonical splice acceptor site of the intron before coding-DNA position 676, A replaced by T.
Molecular consequence: splice acceptor variant.
Genome position (GRCh38, 1-based): chr22:50,678,767, A>T. VCF-style: chr22-50678767-A-T. GRCh37 (hg19) VCF-style: chr22-51117195-A-T.
Identifiers: ClinVar variation 3764793 (VCV003764793.1).